The following is an entry in ClinVar:

NM_022725.4(FANCF):c.14T>C (p.Leu5Pro)

Gene: FANCF (FA complementation group F; minus strand). Cytogenetic location: 11p14.3.
Variant type: single nucleotide variant.
Coding change: c.14T>C on transcript NM_022725.4 (MANE Select); coding-DNA position 14, T replaced by C.
Protein change: p.Leu5Pro; replaces leucine 5 with proline.
Molecular consequence: missense variant.
Genome position (GRCh38, 1-based): chr11:22,625,797, A>G on the plus strand (T>C on the coding strand, the complement: FANCF is on the minus strand). VCF-style: chr11-22625797-A-G. GRCh37 (hg19) VCF-style: chr11-22647343-A-G.
Other names: short protein forms L5P.
Identifiers: ClinVar variation 456282 (VCV000456282.10), dbSNP rs1159900858, ClinGen allele CA380060117.

ClinVar aggregate classification (germline): Uncertain significance. Review status: criteria provided, multiple submitters, no conflicts (2 of 4 stars). 3 submissions from 3 submitters: Uncertain significance (3). Last evaluated 2022-09-08.

Conditions:
Fanconi anemia (FA). Also called: Fanconi's anemia. Identifiers: Orphanet 84, MedGen C0015625, MeSH D005199, MONDO:0019391.
Fanconi anemia complementation group F. Also called: FANCF-Related Fanconi Anemia. Identifiers: Orphanet 84, MedGen C3469526, MONDO:0011325, OMIM 603467.

Allele frequency attached by ClinVar (database versions not stated): gnomAD exomes below 0.00001; gnomAD 0.00001; TOPMed 0.00001.
gnomAD v4.1: 10 of 1,614,012 alleles (0.00062%); highest among the groups gnomAD compares: South Asian, 0.0088%; no homozygotes.

Submissions (3):

GeneDx
Classification: Uncertain significance. Last evaluated: 2022-09-08. Review status: criteria provided, single submitter. Criteria: GeneDx Variant Classification Process June 2021. Collection method: clinical testing. Allele origin: germline. Affected: yes.
Comment: In silico analysis supports that this missense variant has a deleterious effect on protein structure/function; Has not been previously published as pathogenic or benign to our knowledge

Labcorp Genetics (formerly Invitae), Labcorp
Classification: Uncertain significance for Fanconi anemia. Last evaluated: 2022-06-09. Review status: criteria provided, single submitter. Criteria: Invitae Variant Classification Sherloc (09022015). Collection method: clinical testing. Allele origin: germline.
Comment: This variant has not been reported in the literature in individuals affected with FANCF-related conditions. This variant is present in population databases (no rsID available, gnomAD 0.004%). This sequence change replaces leucine, which is neutral and non-polar, with proline, which is neutral and non-polar, at codon 5 of the FANCF protein (p.Leu5Pro). ClinVar contains an entry for this variant (Variation ID: 456282). In summary, the available evidence is currently insufficient to determine the role of this variant in disease. Therefore, it has been classified as a Variant of Uncertain Significance. Algorithms developed to predict the effect of missense changes on protein structure and function (SIFT, PolyPhen-2, Align-GVGD) all suggest that this variant is likely to be disruptive.

Fulgent Genetics
Classification: Uncertain significance for Fanconi anemia complementation group F. Last evaluated: 2021-09-02. Review status: criteria provided, single submitter. Criteria: ACMG Guidelines, 2015. Collection method: clinical testing. Allele origin: unknown.